The following is an entry in ClinVar:

NM_001844.5(COL2A1):c.3671C>T (p.Ala1224Val)

Gene: COL2A1 (collagen type II alpha 1 chain; minus strand). Cytogenetic location: 12q13.11.
Variant type: single nucleotide variant.
Coding change: c.3671C>T on transcript NM_001844.5 (MANE Select); coding-DNA position 3671, C replaced by T.
Protein change: p.Ala1224Val; replaces alanine 1224 with valine.
Molecular consequence: missense variant.
Genome position (GRCh38, 1-based): chr12:47,975,532, G>A on the plus strand (C>T on the coding strand, the complement: COL2A1 is on the minus strand). VCF-style: chr12-47975532-G-A. GRCh37 (hg19) VCF-style: chr12-48369315-G-A.
Other names: c.3464C>T, p.Ala1155Val (NM_033150.3); short protein forms A1155V, A1224V.
Identifiers: ClinVar variation 4747046 (VCV004747046.1).
Genomic context (GRCh38, chr12:47,975,532, plus strand): 5'-GCCTGGTCGGCCCGCATGTACTGCAGGGGGTCGGGGCCCTTCTCTCTCGGGCCTAAGCCA[G>A]CAAAGGCGGACATGTCGATGCCAGGGCCAGGGGGACCTGGAGGACCAGGGGGTCCAGGAT-3'
Protein context (NP_001835.3, residues 1214-1234): PGPGIDMSAF[Ala1224Val]GLGPREKGPD

ClinVar aggregate classification (germline): Uncertain significance (1 of 4 stars; one submission).

Submission:

Labcorp Genetics (formerly Invitae), Labcorp
Classification: Uncertain significance. Last evaluated: 2025-03-24. Review status: criteria provided, single submitter. Criteria: Invitae Variant Classification Sherloc (09022015). Collection method: clinical testing. Allele origin: germline.
Comment: This sequence change replaces alanine, which is neutral and non-polar, with valine, which is neutral and non-polar, at codon 1224 of the COL2A1 protein (p.Ala1224Val). This variant is not present in population databases (gnomAD no frequency). This variant has not been reported in the literature in individuals affected with COL2A1-related conditions. Invitae Evidence Modeling of protein sequence and biophysical properties (such as structural, functional, and spatial information, amino acid conservation, physicochemical variation, residue mobility, and thermodynamic stability) indicates that this missense variant is not expected to disrupt COL2A1 protein function with a negative predictive value of 95%. In summary, the available evidence is currently insufficient to determine the role of this variant in disease. Therefore, it has been classified as a Variant of Uncertain Significance.